The following is an entry in ClinVar:

ClinVar aggregate classification (germline): Uncertain significance (0 of 4 stars; one submission).

Conditions:
COL4A2-related disorder. Also called: COL4A2-related disorders; COL4A2-related condition.

Submission:

PreventionGenetics, part of Exact Sciences
Classification: Uncertain significance for COL4A2-related condition. Last evaluated: 2024-04-17. Review status: no assertion criteria provided. Collection method: clinical testing. Allele origin: germline.
Comment: The COL4A2 c.5087G>A variant is predicted to result in the amino acid substitution p.Gly1696Asp. To our knowledge, this variant has not been reported in the literature or in a large population database, indicating this variant is rare. At this time, the clinical significance of this variant is uncertain due to the absence of conclusive functional and genetic evidence.

NM_001846.4(COL4A2):c.5087G>A (p.Gly1696Asp)

Gene: COL4A2 (collagen type IV alpha 2 chain; plus strand). Cytogenetic location: 13q34.
Variant type: single nucleotide variant.
Coding change: c.5087G>A on transcript NM_001846.4 (MANE Select); coding-DNA position 5087, G replaced by A.
Protein change: p.Gly1696Asp; replaces glycine 1696 with aspartic acid.
Molecular consequence: missense variant.
Genome position (GRCh38, 1-based): chr13:110,512,139, G>A. VCF-style: chr13-110512139-G-A. GRCh37 (hg19) VCF-style: chr13-111164486-G-A.
Other names: short protein forms G1696D.
Identifiers: ClinVar variation 3348386 (VCV003348386.1).